The following is an entry in ClinVar:

NM_001048174.2(MUTYH):c.855G>T (p.Glu285Asp)

Gene: MUTYH (mutY DNA glycosylase; minus strand). Cytogenetic location: 1p34.1.
Variant type: single nucleotide variant.
Coding change: c.855G>T on transcript NM_001048174.2 (MANE Select); coding-DNA position 855, G replaced by T.
Protein change: p.Glu285Asp; replaces glutamic acid 285 with aspartic acid.
Molecular consequence: missense variant. On other transcripts: non-coding transcript variant (7).
Genome position (GRCh38, 1-based): chr1:45,332,081, C>A on the plus strand (G>T on the coding strand, the complement: MUTYH is on the minus strand). VCF-style: chr1-45332081-C-A. GRCh37 (hg19) VCF-style: chr1-45797753-C-A.
Other names: c.855G>T, p.Glu285Asp (NM_001048171.2, NM_001048173.2, NM_001293195.2 and 6 more transcripts); c.858G>T, p.Glu286Asp (NM_001048172.2, NM_001407071.1, NM_001407078.1 and 1 more transcripts); c.939G>T, p.Glu313Asp (NM_001128425.2); c.900G>T, p.Glu300Asp (NM_001293190.2); c.888G>T, p.Glu296Asp (NM_001293191.2, NM_001407069.1, NM_001407077.1); c.579G>T, p.Glu193Asp (NM_001293192.2, NM_001293196.2, NM_001407091.1); c.510G>T, p.Glu170Asp (NM_001350650.2, NM_001350651.2, NM_001407082.1); c.771G>T, p.Glu257Asp (NM_001407075.1); and 5 more; short protein forms E296D, E299D, E300D, E193D, E271D, E286D, E292D, E272D.
Identifiers: ClinVar variation 3018212 (VCV003018212.4), dbSNP rs766638306, ClinGen allele CA059741.

ClinVar aggregate classification (germline): Uncertain significance. Review status: criteria provided, multiple submitters, no conflicts (2 of 4 stars). 2 submissions from 2 submitters: Uncertain significance (2). Last evaluated 2025-08-27.

Conditions:
Hereditary cancer-predisposing syndrome. Also called: Tumor predisposition; Hereditary Cancer Syndrome; Hereditary neoplastic syndrome; Neoplastic Syndromes, Hereditary. Identifiers: Orphanet 140162, MedGen C0027672, MeSH D009386, MONDO:0015356.
Familial adenomatous polyposis 2. Also called: COLORECTAL ADENOMATOUS POLYPOSIS, AUTOSOMAL RECESSIVE; ADENOMAS, MULTIPLE COLORECTAL, AUTOSOMAL RECESSIVE; MYH-associated polyposis; MUTYH-associated polyposis; MUTYH-related attenuated familial adenomatous polyposis; MUTYH Polyposis. Identifiers: Orphanet 220460, Orphanet 247798, MedGen C3272841, MONDO:0012041, OMIM 608456.

Allele frequency attached by ClinVar (database versions not stated): ExAC 0.00001.
gnomAD v4.1: 2 of 1,614,210 alleles (0.00012%); highest among the groups gnomAD compares: South Asian, 0.0022%; no homozygotes.

Submissions (2):

Ambry Genetics
Classification: Uncertain significance for Hereditary cancer-predisposing syndrome. Last evaluated: 2025-08-27. Review status: criteria provided, single submitter. Criteria: Ambry Variant Classification Scheme 2023. Collection method: clinical testing. Allele origin: germline.
Comment: The p.E313D variant (also known as c.939G>T), located in coding exon 11 of the MUTYH gene, results from a G to T substitution at nucleotide position 939. The glutamic acid at codon 313 is replaced by aspartic acid, an amino acid with highly similar properties. This amino acid position is conserved. In addition, this alteration is predicted to be tolerated by in silico analysis. Based on the available evidence, the clinical significance of this variant remains unclear.

Labcorp Genetics (formerly Invitae), Labcorp
Classification: Uncertain significance for Familial adenomatous polyposis 2. Last evaluated: 2023-03-18. Review status: criteria provided, single submitter. Criteria: Invitae Variant Classification Sherloc (09022015). Collection method: clinical testing. Allele origin: germline.
Comment: This variant has not been reported in the literature in individuals affected with MUTYH-related conditions. This sequence change replaces glutamic acid, which is acidic and polar, with aspartic acid, which is acidic and polar, at codon 313 of the MUTYH protein (p.Glu313Asp). This variant is present in population databases (rs766638306, gnomAD 0.003%). An algorithm developed to predict the effect of missense changes on protein structure and function (PolyPhen-2) suggests that this variant is likely to be tolerated. In summary, the available evidence is currently insufficient to determine the role of this variant in disease. Therefore, it has been classified as a Variant of Uncertain Significance.